The following is an entry in ClinVar:

NM_000264.5(PTCH1):c.3732_3755dup (p.Ala1251_His1252insGlnGlnGlyAlaGlyGlyProAla)

Gene: PTCH1 (patched 1; minus strand). Cytogenetic location: 9q22.32.
Variant type: Duplication.
Coding change: c.3732_3755dup on transcript NM_000264.5 (MANE Select); coding-DNA positions 3732 to 3755, 24 bases duplicated (GCAGGGCGCGGGAGGCCCTGCCCA).
Protein change: p.Ala1251_His1252insGlnGlnGlyAlaGlyGlyProAla.
Molecular consequence: inframe insertion. On other transcripts: non-coding transcript variant (1).
Genome position (GRCh38, 1-based): chr9:95,449,118-95,449,141, TGGGCAGGGCCTCCCGCGCCCTGC duplicated on the plus strand (GCAGGGCGCGGGAGGCCCTGCCCA on the coding strand, the reverse complement: PTCH1 is on the minus strand); duplicating any 24 consecutive bases within chr9:95,449,118-95,449,146 gives the same sequence; the c. name uses the placement nearest the transcript's 3' end. VCF-style (leftmost placement, unchanged base first): chr9-95449117-G-GTGGGCAGGGCCTCCCGCGCCCTGC. GRCh37 (hg19) VCF-style: chr9-98211399-G-GTGGGCAGGGCCTCCCGCGCCCTGC.
Other names: c.3534_3557dup, p.Ala1185_His1186insGlnGlnGlyAlaGlyGlyProAla (NM_001083602.3); c.3729_3752dup, p.Ala1250_His1251insGlnGlnGlyAlaGlyGlyProAla (NM_001083603.3); c.3279_3302dup, p.Ala1100_His1101insGlnGlnGlyAlaGlyGlyProAla (NM_001083604.3, NM_001083605.3, NM_001083606.3 and 1 more transcripts); c.3576_3599dup, p.Ala1199_His1200insGlnGlnGlyAlaGlyGlyProAla (NM_001354918.2).
Identifiers: ClinVar variation 2693590 (VCV002693590.3), dbSNP rs2538012941, ClinGen allele CA2697557941.

ClinVar aggregate classification (germline): Uncertain significance (1 of 4 stars; one submission).

Conditions:
Gorlin syndrome. Also called: Nevoid Basal Cell Carcinoma Syndrome; Basal cell nevus syndrome. Identifiers: Orphanet 377, MedGen C0004779, MONDO:0007187.

Submission:

Labcorp Genetics (formerly Invitae), Labcorp
Classification: Uncertain significance for Gorlin syndrome. Last evaluated: 2023-11-06. Review status: criteria provided, single submitter. Criteria: Invitae Variant Classification Sherloc (09022015). Collection method: clinical testing. Allele origin: germline.
Comment: This variant, c.3732_3755dup, results in the insertion of 8 amino acid(s) of the PTCH1 protein (p.Gln1244_Ala1251dup), but otherwise preserves the integrity of the reading frame. This variant is not present in population databases (gnomAD no frequency). This variant has not been reported in the literature in individuals affected with PTCH1-related conditions. Experimental studies and prediction algorithms are not available or were not evaluated, and the functional significance of this variant is currently unknown. In summary, the available evidence is currently insufficient to determine the role of this variant in disease. Therefore, it has been classified as a Variant of Uncertain Significance.